The following is an entry in ClinVar:

ClinVar aggregate classification (germline): Conflicting classifications of pathogenicity. Review status: criteria provided, conflicting classifications (1 of 4 stars). 2 submissions from 2 submitters: Uncertain significance (1); Likely benign (1). Last evaluated 2025-12-23.

Conditions:
Familial hypobetalipoproteinemia 1. Also called: APOB-Related Familial Hypobetalipoproteinemia; Hypobetalipoproteinemia, normotriglyceridemic; Acanthocytosis with hypobetalipoproteinemia. Identifiers: MedGen C4551990, MONDO:0014252, OMIM 615558.
Hypercholesterolemia, autosomal dominant, type B (FHCL2). Also called: Hyperlipoproteinemia Type IIb; Familial hypercholesterolemia 2; Familial Hypercholesterolemia Type B; APOLIPOPROTEIN B-100, FAMILIAL DEFECTIVE; APOLIPOPROTEIN B-100, FAMILIAL LIGAND-DEFECTIVE; HYPERCHOLESTEROLEMIA, FAMILIAL, DUE TO LIGAND-DEFECTIVE APOLIPOPROTEIN B. Identifiers: MedGen C1704417, MONDO:0007751, OMIM 144010.
Cardiovascular phenotype. Identifiers: MedGen CN230736.

Allele frequency attached by ClinVar (database versions not stated): gnomAD exomes below 0.00001; ExAC 0.00001.

Submissions (2):

Labcorp Genetics (formerly Invitae), Labcorp
Classification: Likely benign for Familial hypobetalipoproteinemia 1; Hypercholesterolemia, autosomal dominant, type B. Last evaluated: 2025-12-23. Review status: criteria provided, single submitter. Criteria: Invitae Variant Classification Sherloc (09022015). Collection method: clinical testing. Allele origin: germline.

Ambry Genetics
Classification: Uncertain significance for Cardiovascular phenotype. Last evaluated: 2022-10-27. Review status: criteria provided, single submitter. Criteria: Ambry Variant Classification Scheme 2023. Collection method: clinical testing. Allele origin: germline.
Comment: The p.G1651R variant (also known as c.4951G>A), located in coding exon 26 of the APOB gene, results from a G to A substitution at nucleotide position 4951. The glycine at codon 1651 is replaced by arginine, an amino acid with dissimilar properties. This amino acid position is conserved. In addition, this alteration is predicted to be tolerated by in silico analysis. Since supporting evidence is limited at this time, the clinical significance of this alteration remains unclear.

NM_000384.3(APOB):c.4951G>A (p.Gly1651Arg)

Gene: APOB (apolipoprotein B; minus strand). Cytogenetic location: 2p24.1.
Variant type: single nucleotide variant.
Coding change: c.4951G>A on transcript NM_000384.3 (MANE Select); coding-DNA position 4951, G replaced by A.
Protein change: p.Gly1651Arg; replaces glycine 1651 with arginine.
Molecular consequence: missense variant.
Genome position (GRCh38, 1-based): chr2:21,011,917, C>T on the plus strand (G>A on the coding strand, the complement: APOB is on the minus strand). VCF-style: chr2-21011917-C-T. GRCh37 (hg19) VCF-style: chr2-21234789-C-T.
Other names: short protein forms G1651R.
Identifiers: ClinVar variation 1744334 (VCV001744334.5), dbSNP rs748424949, ClinGen allele CA061402.
Genomic context (GRCh38, chr2:21,011,917, plus strand): 5'-GCTCATTCTCCAGCACCAGGAGACTACACTTCAAGTTGGTCGTTGCACTGGTAGATATTC[C>T]ATCTTGGCCAATCCTTAGTGTCGCCTTGTGAGCACCACTATTAATTTTGTCAGTGCCTAA-3'
Protein context (NP_000375.3, residues 1641-1661): HKATLRIGQD[Gly1651Arg]ISTSATTNLK